The following is an entry in ClinVar:

ClinVar aggregate classification (germline): Uncertain significance. Review status: criteria provided, multiple submitters, no conflicts (2 of 4 stars). 2 submissions from 2 submitters: Uncertain significance (2). Last evaluated 2026-02-12.

Allele frequency attached by ClinVar (database versions not stated): ExAC 0.00001; gnomAD exomes 0.00003; gnomAD 0.00007 and 0.00008; TOPMed 0.00008.

Submissions (2):

GeneDx
Classification: Uncertain significance. Last evaluated: 2026-02-12. Review status: criteria provided, single submitter. Criteria: GeneDx Variant Classification Process June 2021. Collection method: clinical testing. Allele origin: germline.
Comment: Not observed at significant frequency in large population cohorts (gnomAD); In silico analysis suggests that this missense variant does not alter protein structure/function; Has not been previously published as pathogenic or benign to our knowledge

Labcorp Genetics (formerly Invitae), Labcorp
Classification: Uncertain significance. Last evaluated: 2022-07-07. Review status: criteria provided, single submitter. Criteria: Invitae Variant Classification Sherloc (09022015). Collection method: clinical testing. Allele origin: germline.
Comment: This sequence change replaces tyrosine, which is neutral and polar, with histidine, which is basic and polar, at codon 267 of the MRPS22 protein (p.Tyr267His). This variant is present in population databases (rs762299963, gnomAD 0.008%). This variant has not been reported in the literature in individuals affected with MRPS22-related conditions. ClinVar contains an entry for this variant (Variation ID: 343490). Algorithms developed to predict the effect of missense changes on protein structure and function output the following: SIFT: "Tolerated"; PolyPhen-2: "Benign"; Align-GVGD: "Class C0". The histidine amino acid residue is found in multiple mammalian species, which suggests that this missense change does not adversely affect protein function. In summary, the available evidence is currently insufficient to determine the role of this variant in disease. Therefore, it has been classified as a Variant of Uncertain Significance.

NM_020191.4(MRPS22):c.799T>C (p.Tyr267His)

Gene: MRPS22 (mitochondrial ribosomal protein S22; plus strand). Cytogenetic location: 3q23.
Variant type: single nucleotide variant.
Coding change: c.799T>C on transcript NM_020191.4 (MANE Select); coding-DNA position 799, T replaced by C.
Protein change: p.Tyr267His; replaces tyrosine 267 with histidine.
Molecular consequence: missense variant.
Genome position (GRCh38, 1-based): chr3:139,352,713, T>C. VCF-style: chr3-139352713-T-C. GRCh37 (hg19) VCF-style: chr3-139071555-T-C.
Other names: c.676T>C, p.Tyr226His (NM_001363857.1); c.796T>C, p.Tyr266His (NM_001363893.1); short protein forms Y267H, Y226H, Y266H.
Identifiers: ClinVar variation 343490 (VCV000343490.7), dbSNP rs762299963, ClinGen allele CA2640815.
Genomic context (GRCh38, chr3:139,352,713, plus strand): 5'-CACAAGACCTATGAAGATATAGATAAACGTGGAAAATATGACCTTTTACGTTCAACAAGA[T>C]ACTTTGGTGGAATGGTGTGGTATTTTGTAAATAATAAAAAGATTGATGGTTTGCTGATTG-3'
Protein context (NP_064576.1, residues 257-277): GKYDLLRSTR[Tyr267His]FGGMVWYFVN